The following is an entry in ClinVar:

ClinVar aggregate classification (germline): Uncertain significance (1 of 4 stars; one submission).

Allele frequency attached by ClinVar (database versions not stated): TOPMed 0.00001; gnomAD 0.00002; gnomAD exomes 0.00001.
gnomAD v4.1: 18 of 1,551,368 alleles (0.0012%); highest among the groups gnomAD compares: Admixed American, 0.0039%; no homozygotes.

Submission:

Labcorp Genetics (formerly Invitae), Labcorp
Classification: Uncertain significance. Last evaluated: 2022-01-14. Review status: criteria provided, single submitter. Criteria: Invitae Variant Classification Sherloc (09022015). Collection method: clinical testing. Allele origin: germline.
Comment: This sequence change replaces arginine, which is basic and polar, with tryptophan, which is neutral and slightly polar, at codon 522 of the UNC80 protein (p.Arg522Trp). This variant is present in population databases (rs779351755, gnomAD 0.01%). This missense change has been observed in individual(s) with clinical features of UNC80-related conditions (PMID: 31785789). Algorithms developed to predict the effect of missense changes on protein structure and function are either unavailable or do not agree on the potential impact of this missense change (SIFT: "Not Available"; PolyPhen-2: "Probably Damaging"; Align-GVGD: "Not Available"). In summary, the available evidence is currently insufficient to determine the role of this variant in disease. Therefore, it has been classified as a Variant of Uncertain Significance.

Literature cited by the submitters: PubMed 31785789.

NM_001371986.1(UNC80):c.1564C>T (p.Arg522Trp)

Gene: UNC80 (unc-80 homolog, NALCN channel complex subunit; plus strand). Cytogenetic location: 2q34.
Variant type: single nucleotide variant.
Coding change: c.1564C>T on transcript NM_001371986.1 (MANE Select); coding-DNA position 1564, C replaced by T.
Protein change: p.Arg522Trp; replaces arginine 522 with tryptophan.
Molecular consequence: missense variant.
Genome position (GRCh38, 1-based): chr2:209,817,823, C>T. VCF-style: chr2-209817823-C-T. GRCh37 (hg19) VCF-style: chr2-210682547-C-T.
Other names: c.1564C>T, p.Arg522Trp (NM_032504.2, NM_182587.4); short protein forms R522W.
Identifiers: ClinVar variation 1400093 (VCV001400093.5), dbSNP rs779351755, ClinGen allele CA64667090.
Genomic context (GRCh38, chr2:209,817,823, plus strand): 5'-AACTTTCAGATTTTAAAACCCTCTTGTGGGGTGCTCTTATTCATCCCAGGGAAATTGACC[C>T]GGCGAGGCAGTTCAGATGCAGCCACTGAGATGGAGAGTCTGAGCGCCAGGCATTCCCACT-3'
Protein context (NP_001358915.1, residues 512-532): WQTTILGKLT[Arg522Trp]RGSSDAATEM